The following is an entry in ClinVar:

NM_000310.4(PPT1):c.5C>T (p.Ala2Val)

Gene: PPT1 (palmitoyl-protein thioesterase 1; minus strand). Cytogenetic location: 1p34.2.
Variant type: single nucleotide variant.
Coding change: c.5C>T on transcript NM_000310.4 (MANE Select); coding-DNA position 5, C replaced by T.
Protein change: p.Ala2Val; replaces alanine 2 with valine.
Molecular consequence: missense variant.
Genome position (GRCh38, 1-based): chr1:40,097,234, G>A on the plus strand (C>T on the coding strand, the complement: PPT1 is on the minus strand). VCF-style: chr1-40097234-G-A. GRCh37 (hg19) VCF-style: chr1-40562906-G-A.
Other names: c.5C>T, p.Ala2Val (NM_001142604.2, NM_001363695.2); short protein forms A2V.
Identifiers: ClinVar variation 1958270 (VCV001958270.4), dbSNP rs369839395, ClinGen allele CA789869.

ClinVar aggregate classification (germline): Uncertain significance (1 of 4 stars; one submission).

Conditions:
Neuronal ceroid lipofuscinosis 1 (CLN1). Also called: PPT1-Related Neuronal Ceroid-Lipofuscinosis; CEROID LIPOFUSCINOSIS, NEURONAL, 1, VARIABLE AGE AT ONSET. Identifiers: Orphanet 228329, MedGen C1850451, MONDO:0009744, OMIM 256730.

Allele frequency attached by ClinVar (database versions not stated): TOPMed 0.00001; ExAC 0.00002; ESP Exome Variant Server 0.00008.
gnomAD v4.1: 12 of 1,613,840 alleles (0.00074%); highest among the groups gnomAD compares: Non-Finnish European, 0.00093%; no homozygotes.

Submission:

Labcorp Genetics (formerly Invitae), Labcorp
Classification: Uncertain significance for Neuronal ceroid lipofuscinosis 1. Last evaluated: 2024-02-05. Review status: criteria provided, single submitter. Criteria: Invitae Variant Classification Sherloc (09022015). Collection method: clinical testing. Allele origin: germline.
Comment: This sequence change replaces alanine, which is neutral and non-polar, with valine, which is neutral and non-polar, at codon 2 of the PPT1 protein (p.Ala2Val). This variant is present in population databases (rs369839395, gnomAD 0.003%). This variant has not been reported in the literature in individuals affected with PPT1-related conditions. ClinVar contains an entry for this variant (Variation ID: 1958270). An algorithm developed to predict the effect of missense changes on protein structure and function (PolyPhen-2) suggests that this variant is likely to be tolerated. In summary, the available evidence is currently insufficient to determine the role of this variant in disease. Therefore, it has been classified as a Variant of Uncertain Significance.